The following is an entry in ClinVar:

ClinVar aggregate classification (germline): Uncertain significance (1 of 4 stars; one submission).

gnomAD v4.1: 4 of 1,613,962 alleles (0.00025%); highest among the groups gnomAD compares: Non-Finnish European, 0.00034%; no homozygotes.

Submission:

Labcorp Genetics (formerly Invitae), Labcorp
Classification: Uncertain significance. Last evaluated: 2024-11-11. Review status: criteria provided, single submitter. Criteria: Invitae Variant Classification Sherloc (09022015). Collection method: clinical testing. Allele origin: germline.
Comment: This sequence change replaces phenylalanine, which is neutral and non-polar, with valine, which is neutral and non-polar, at codon 1434 of the VCAN protein (p.Phe1434Val). This variant is not present in population databases (gnomAD no frequency). This variant has not been reported in the literature in individuals affected with VCAN-related conditions. An algorithm developed to predict the effect of missense changes on protein structure and function (PolyPhen-2) suggests that this variant is likely to be disruptive. In summary, the available evidence is currently insufficient to determine the role of this variant in disease. Therefore, it has been classified as a Variant of Uncertain Significance.

NM_004385.5(VCAN):c.4300T>G (p.Phe1434Val)

Genes: VCAN (versican; plus strand), VCAN-AS1 (VCAN antisense RNA 1; minus strand). Cytogenetic location: 5q14.3.
Variant type: single nucleotide variant.
Coding change: c.4300T>G on transcript NM_004385.5 (MANE Select); coding-DNA position 4300, T replaced by G.
Protein change: p.Phe1434Val; replaces phenylalanine 1434 with valine.
Molecular consequence: missense variant. On other transcripts: intron variant (2).
Genome position (GRCh38, 1-based): chr5:83,537,303, T>G. VCF-style: chr5-83537303-T-G. GRCh37 (hg19) VCF-style: chr5-82833122-T-G.
Other names: c.1339T>G, p.Phe447Val (NM_001164097.2); c.4004-8234T>G (NM_001164098.2); c.1043-8234T>G (NM_001126336.3); short protein forms F447V, F1434V.
Identifiers: ClinVar variation 3676815 (VCV003676815.2).